The following is an entry in ClinVar:

ClinVar aggregate classification (germline): Uncertain significance (1 of 4 stars; one submission).

Conditions:
Immunodeficiency 25. Also called: Immunodeficiency due to defect in cd3-zeta, somatic. Identifiers: MedGen C1857798, MONDO:0012426, OMIM 610163.

Allele frequency attached by ClinVar (database versions not stated): gnomAD 0.00001; TOPMed 0.00002; ExAC 0.00003; gnomAD exomes 0.00004.
gnomAD v4.1: 61 of 1,613,360 alleles (0.0038%); highest among the groups gnomAD compares: South Asian, 0.021%; no homozygotes.

Submission:

Labcorp Genetics (formerly Invitae), Labcorp
Classification: Uncertain significance for Immunodeficiency 25. Last evaluated: 2025-06-12. Review status: criteria provided, single submitter. Criteria: Invitae Variant Classification Sherloc (09022015). Collection method: clinical testing. Allele origin: germline.
Comment: This sequence change affects codon 130 of the CD247 mRNA. It is a 'silent' change, meaning that it does not change the encoded amino acid sequence of the CD247 protein. This variant is present in population databases (rs753046264, gnomAD 0.006%). This variant has not been reported in the literature in individuals affected with CD247-related conditions. ClinVar contains an entry for this variant (Variation ID: 2783835). Algorithms developed to predict the effect of sequence changes on RNA splicing suggest that this variant may create or strengthen a splice site. In summary, the available evidence is currently insufficient to determine the role of this variant in disease. Therefore, it has been classified as a Variant of Uncertain Significance.

NM_198053.3(CD247):c.390C>T (p.Gly130=)

Gene: CD247 (CD247 molecule; minus strand). Cytogenetic location: 1q24.2.
Variant type: single nucleotide variant.
Coding change: c.390C>T on transcript NM_198053.3 (MANE Select); coding-DNA position 390, C replaced by T.
Protein change: p.Gly130=; no amino-acid change (glycine 130 retained).
Molecular consequence: synonymous variant.
Genome position (GRCh38, 1-based): chr1:167,434,023, G>A on the plus strand (C>T on the coding strand, the complement: CD247 is on the minus strand). VCF-style: chr1-167434023-G-A. GRCh37 (hg19) VCF-style: chr1-167403260-G-A.
Other names: c.387C>T, p.Gly129= (NM_000734.4); c.483C>T, p.Gly161= (NM_001378515.1); c.480C>T, p.Gly160= (NM_001378516.1).
Identifiers: ClinVar variation 2783835 (VCV002783835.3), dbSNP rs753046264, ClinGen allele CA1225923.